The following is an entry in ClinVar:

NM_006389.5(HYOU1):c.2774G>A (p.Arg925Gln)

Gene: HYOU1 (hypoxia up-regulated 1; minus strand). Cytogenetic location: 11q23.3.
Variant type: single nucleotide variant.
Coding change: c.2774G>A on transcript NM_006389.5 (MANE Select); coding-DNA position 2774, G replaced by A.
Protein change: p.Arg925Gln; replaces arginine 925 with glutamine.
Molecular consequence: missense variant.
Genome position (GRCh38, 1-based): chr11:119,046,624, C>T on the plus strand (G>A on the coding strand, the complement: HYOU1 is on the minus strand). VCF-style: chr11-119046624-C-T. GRCh37 (hg19) VCF-style: chr11-118917336-C-T.
Other names: c.2774G>A, p.Arg925Gln (NM_001130991.3); c.2774G>A (NM_006389.3); short protein forms R925Q.
Identifiers: ClinVar variation 1021414 (VCV001021414.9), dbSNP rs781963209, ClinGen allele CA229616854.

ClinVar aggregate classification (germline): Uncertain significance. Review status: criteria provided, multiple submitters, no conflicts (2 of 4 stars). 2 submissions from 2 submitters: Uncertain significance (2). Last evaluated 2022-06-27.

gnomAD v4.1: 34 of 1,614,064 alleles (0.0021%); highest among the groups gnomAD compares: Non-Finnish European, 0.0027%; no homozygotes.

Submissions (2):

Labcorp Genetics (formerly Invitae), Labcorp
Classification: Uncertain significance. Last evaluated: 2022-06-27. Review status: criteria provided, single submitter. Criteria: Invitae Variant Classification Sherloc (09022015). Collection method: clinical testing. Allele origin: germline.
Comment: In summary, the available evidence is currently insufficient to determine the role of this variant in disease. Therefore, it has been classified as a Variant of Uncertain Significance. Algorithms developed to predict the effect of missense changes on protein structure and function output the following: SIFT: "Not Available"; PolyPhen-2: "Benign"; Align-GVGD: "Not Available". The glutamine amino acid residue is found in multiple mammalian species, which suggests that this missense change does not adversely affect protein function. ClinVar contains an entry for this variant (Variation ID: 1021414). This variant has not been reported in the literature in individuals affected with HYOU1-related conditions. This variant is present in population databases (rs781963209, gnomAD 0.004%). This sequence change replaces arginine, which is basic and polar, with glutamine, which is neutral and polar, at codon 925 of the HYOU1 protein (p.Arg925Gln).

Ambry Genetics
Classification: Uncertain significance. Last evaluated: 2021-10-20. Review status: criteria provided, single submitter. Criteria: Ambry Variant Classification Scheme 2023. Collection method: clinical testing. Allele origin: germline.